The following is an entry in ClinVar:

ClinVar aggregate classification (germline): Uncertain significance (1 of 4 stars; one submission).

Allele frequency attached by ClinVar (database versions not stated): TOPMed 0.00001; gnomAD 0.00002; gnomAD exomes 0.00002; ExAC 0.00003.

Submission:

Labcorp Genetics (formerly Invitae), Labcorp
Classification: Uncertain significance. Last evaluated: 2023-12-10. Review status: criteria provided, single submitter. Criteria: Invitae Variant Classification Sherloc (09022015). Collection method: clinical testing. Allele origin: germline.
Comment: This sequence change replaces glycine, which is neutral and non-polar, with arginine, which is basic and polar, at codon 217 of the AHDC1 protein (p.Gly217Arg). This variant is present in population databases (rs747778584, gnomAD 0.02%). This variant has not been reported in the literature in individuals affected with AHDC1-related conditions. ClinVar contains an entry for this variant (Variation ID: 1899132). An algorithm developed to predict the effect of missense changes on protein structure and function (PolyPhen-2) suggests that this variant is likely to be disruptive. In summary, the available evidence is currently insufficient to determine the role of this variant in disease. Therefore, it has been classified as a Variant of Uncertain Significance.

NM_001371928.1(AHDC1):c.649G>A (p.Gly217Arg)

Gene: AHDC1 (AT-hook DNA binding motif containing 1; minus strand). Cytogenetic location: 1p36.11.
Variant type: single nucleotide variant.
Coding change: c.649G>A on transcript NM_001371928.1 (MANE Select); coding-DNA position 649, G replaced by A.
Protein change: p.Gly217Arg; replaces glycine 217 with arginine.
Molecular consequence: missense variant.
Genome position (GRCh38, 1-based): chr1:27,551,467, C>T on the plus strand (G>A on the coding strand, the complement: AHDC1 is on the minus strand). VCF-style: chr1-27551467-C-T. GRCh37 (hg19) VCF-style: chr1-27877978-C-T.
Other names: c.649G>A, p.Gly217Arg (NM_001029882.3); short protein forms G217R.
Identifiers: ClinVar variation 1899132 (VCV001899132.5), dbSNP rs747778584, ClinGen allele CA716110.
Genomic context (GRCh38, chr1:27,551,467, plus strand): 5'-AGTAATCAGTGCTGTCTGGCTCAGGCTCTGGGGGCAGACCCGTGGCCGCAGCCGTGGCTC[C>T]GGGACTATGGCCTTGGCCAGGCTGGGGACTGTCCCTAGGCTCAGGCTCAGGCTCGTAGAG-3'
Protein context (NP_001358857.1, residues 207-227): SPQPGQGHSP[Gly217Arg]ATAAATGLPP